The following is an entry in ClinVar:

ClinVar aggregate classification (germline): Uncertain significance (1 of 4 stars; one submission).

Conditions:
Nephronophthisis 14 (NPHP14). Identifiers: Orphanet 2318, MedGen C3539071, MONDO:0013916, OMIM 614844.

Allele frequency attached by ClinVar (database versions not stated): gnomAD 0.00001; gnomAD exomes 0.00001 and 0.00003; TOPMed 0.00002; ExAC 0.00005.
gnomAD v4.1: 16 of 1,612,796 alleles (0.00099%); highest among the groups gnomAD compares: Admixed American, 0.017%; no homozygotes.

Submission:

Labcorp Genetics (formerly Invitae), Labcorp
Classification: Uncertain significance for Nephronophthisis 14. Last evaluated: 2022-11-29. Review status: criteria provided, single submitter. Criteria: Invitae Variant Classification Sherloc (09022015). Collection method: clinical testing. Allele origin: germline.
Comment: In summary, the available evidence is currently insufficient to determine the role of this variant in disease. Therefore, it has been classified as a Variant of Uncertain Significance. Advanced modeling of protein sequence and biophysical properties (such as structural, functional, and spatial information, amino acid conservation, physicochemical variation, residue mobility, and thermodynamic stability) has been performed at Invitae for this missense variant, however the output from this modeling did not meet the statistical confidence thresholds required to predict the impact of this variant on ZNF423 protein function. ClinVar contains an entry for this variant (Variation ID: 1364574). This variant has not been reported in the literature in individuals affected with ZNF423-related conditions. This variant is present in population databases (rs771703239, gnomAD 0.03%). This sequence change replaces arginine, which is basic and polar, with histidine, which is basic and polar, at codon 967 of the ZNF423 protein (p.Arg967His).

NM_001379286.1(ZNF423):c.2924G>A (p.Arg975His)

Gene: ZNF423 (zinc finger protein 423; minus strand). Cytogenetic location: 16q12.1.
Variant type: single nucleotide variant.
Coding change: c.2924G>A on transcript NM_001379286.1 (MANE Select); coding-DNA position 2924, G replaced by A.
Protein change: p.Arg975His; replaces arginine 975 with histidine.
Molecular consequence: missense variant.
Genome position (GRCh38, 1-based): chr16:49,636,252, C>T on the plus strand (G>A on the coding strand, the complement: ZNF423 is on the minus strand). VCF-style: chr16-49636252-C-T. GRCh37 (hg19) VCF-style: chr16-49670163-C-T.
Other names: c.2549G>A, p.Arg850His (NM_001330533.2); c.2720G>A, p.Arg907His (NM_001271620.2); c.2900G>A, p.Arg967His (NM_015069.5); short protein forms R975H, R850H, R907H, R967H.
Identifiers: ClinVar variation 1364574 (VCV001364574.5), dbSNP rs771703239, ClinGen allele CA8046408.
Genomic context (GRCh38, chr16:49,636,252, plus strand): 5'-GTGTCCAGGCTCTTGCTGTGGGTCACCTTGTGTTCGGTGAGCGTCAGCAGCGAAGGGAAG[C>T]GCTCACCACAGATGGGACACATGTAGTGCTTGGCAGGGCCCCGGTGCGTCTGCAGGTGCT-3'
Protein context (NP_001366215.1, residues 965-985): KHYMCPICGE[Arg975His]FPSLLTLTEH